The following is an entry in ClinVar:

ClinVar aggregate classification (germline): Pathogenic. Review status: reviewed by expert panel (3 of 4 stars). 3 submissions from 3 submitters: Pathogenic (1). 2 of the submissions do not count toward it. Last evaluated 2023-03-09.

Conditions:
Cerebral creatine deficiency syndrome. Also called: Creatine deficiency syndromes. Identifiers: Orphanet 79172, MedGen C5244016, MONDO:0000456.
Deficiency of guanidinoacetate methyltransferase (CCDS2). Also called: GAMT DEFICIENCY; CEREBRAL CREATINE DEFICIENCY SYNDROME 2; Guanidinoacetate Methyltransferase (GAMT) Deficiency. Identifiers: Orphanet 382, MedGen C0574080, MONDO:0012999, OMIM 612736.

Submissions (3):

ClinGen Cerebral Creatine Deficiency Syndromes Variant Curation Expert Panel, ClinGen
Classification: Pathogenic for Deficiency of guanidinoacetate methyltransferase. Last evaluated: 2023-03-09. Review status: reviewed by expert panel. Criteria: ClinGen_CCDS_ACMG_Specifications_GAMT_v1.1. Collection method: curation. Allele origin: germline. Inheritance: Autosomal recessive inheritance.
Comment: The NM_000156.6:c.64dup (p.Ala22GlyfsTer63) variant in GAMT is a frameshift variant predicted to cause a premature stop codon, leading to nonsense mediated decay in a gene in which loss-of-function is an established disease mechanism (PVS1). Two affected unrelated individuals, previously reported (PMID: 27650626, PMID: 15108290), were homozygous for the variant; one of these individuals (PMID: 15108290) had elevated urinary guanidinoacetate and absent GAMT enzyme activity in fibroblasts with full GAMT gene sequencing performed, and the other proband (PMID: 27650626) had low serum and urine creatinine and absent creatine peak on brain MRS. (PM3, PP4_Strong), This variant is absent from population databases (PM2_Supporting). This variant has also been reported in ClinVar (Variation ID: 1402763). In summary, this variant meets criteria to be classified as pathogenic for guanidinoacetate methyltransferase deficiency. GAMT-specific ACMG/AMP criteria applied (Specifications Version 1.1.0): PVS1, PP4_Strong, PM2_Supporting, PM3, PP4_Strong. (Classification approved by the ClinGen CCDS VCEP on March 9, 2023)

Labcorp Genetics (formerly Invitae), Labcorp
Classification: Pathogenic for Cerebral creatine deficiency syndrome. Last evaluated: 2024-02-04. Review status: criteria provided, single submitter. Criteria: Invitae Variant Classification Sherloc (09022015). Collection method: clinical testing. Allele origin: germline. Not counted in ClinVar's aggregate classification.
Comment: This sequence change creates a premature translational stop signal (p.Ala22Glyfs*63) in the GAMT gene. It is expected to result in an absent or disrupted protein product. Loss-of-function variants in GAMT are known to be pathogenic (PMID: 15108290). The frequency data for this variant in the population databases is considered unreliable, as metrics indicate poor data quality at this position in the gnomAD database. This premature translational stop signal has been observed in individual(s) with guanidinoacetate methyltransferase (GAMT) deficiency (PMID: 15108290, 27650626). This variant is also known as p.A22fsX19. ClinVar contains an entry for this variant (Variation ID: 1402763). For these reasons, this variant has been classified as Pathogenic.

Baylor Genetics
Classification: Pathogenic for Deficiency of guanidinoacetate methyltransferase. Last evaluated: 2023-03-25. Review status: criteria provided, single submitter. Criteria: ACMG Guidelines, 2015. Collection method: clinical testing. Allele origin: unknown. Not counted in ClinVar's aggregate classification.

Literature cited by the submitters: PubMed 15108290 (cited by Labcorp Genetics (formerly Invitae), Labcorp); PubMed 27650626 (cited by Labcorp Genetics (formerly Invitae), Labcorp).

NM_000156.6(GAMT):c.64dup (p.Ala22fs)

Genes: GAMT (guanidinoacetate N-methyltransferase; minus strand), LOC130062945 (ATAC-STARR-seq lymphoblastoid silent region 9707; plus strand). Cytogenetic location: 19p13.3.
Variant type: Duplication.
Coding change: c.64dup on transcript NM_000156.6 (MANE Select); coding-DNA position 64, one base duplicated (G; older notation c.64dupG).
Protein change: p.Ala22fs; shifts the reading frame from alanine 22.
Molecular consequence: frameshift variant.
Genome position (GRCh38, 1-based): chr19:1,401,413, C duplicated on the plus strand (G on the coding strand, the reverse complement: GAMT is on the minus strand); the first of 6 consecutive C bases (chr19:1,401,413-1,401,418); duplicating any one gives the same sequence. VCF-style (leftmost placement, unchanged base first): chr19-1401412-G-GC. GRCh37 (hg19) VCF-style: chr19-1401411-G-GC.
Other names: NM_000156.6(GAMT):c.64dup; p.Ala22fs; c.64dup, p.Ala22fs (NM_138924.3); short protein forms A22fs.
Identifiers: ClinVar variation 1402763 (VCV001402763.7), dbSNP rs1569009071, ClinGen allele CA631301051.
Genomic context (GRCh38, chr19:1,401,412, plus strand): 5'-ATCACCGGCTTGCCCAGGATGCGCAGGTGCGTGTCCGCTGCGTCGTAGGCCGCGGGCGCC[G>GC]CCCCCCACGCGGGGCTGCAGTTCTCGCCGGGCGCGAAGATGGGGGTCGCGCTGGGGGCGC-3'